The following is an entry in ClinVar:

NM_001190737.2(NFIB):c.1000C>T (p.Pro334Ser)

Gene: NFIB (nuclear factor I B; minus strand). Cytogenetic location: 9p23.
Variant type: single nucleotide variant.
Coding change: c.1000C>T on transcript NM_001190737.2 (MANE Select); coding-DNA position 1000, C replaced by T.
Protein change: p.Pro334Ser; replaces proline 334 with serine.
Molecular consequence: missense variant. On other transcripts: non-coding transcript variant (4).
Genome position (GRCh38, 1-based): chr9:14,125,692, G>A on the plus strand (C>T on the coding strand, the complement: NFIB is on the minus strand). VCF-style: chr9-14125692-G-A. GRCh37 (hg19) VCF-style: chr9-14125691-G-A.
Other names: c.1078C>T, p.Pro360Ser (NM_001190738.2); c.244C>T, p.Pro82Ser (NM_001282787.2); c.1066C>T, p.Pro356Ser (NM_001369458.1, NM_001369459.1, NM_001369462.1 and 1 more transcripts); c.988C>T, p.Pro330Ser (NM_001369460.1, NM_001369463.1, NM_001369466.1 and 2 more transcripts); c.1000C>T, p.Pro334Ser (NM_001369461.1, NM_001369464.1, NM_001369471.1 and 2 more transcripts); c.973C>T, p.Pro325Ser (NM_001369465.1, NM_001369467.1, NM_001369476.1); c.856C>T, p.Pro286Ser (NM_001369469.1); c.763C>T, p.Pro255Ser (NM_001369470.1, NM_001369478.1); and 4 more; short protein forms P155S, P255S, P259S, P286S, P316S, P325S, P329S, P330S.
Identifiers: ClinVar variation 3360784 (VCV003360784.1).
Genomic context (GRCh38, chr9:14,125,692, plus strand): 5'-CACTGTGTGCAACTCCAGGTATTCCGGGATGGTGGTGCTGGGGGAAAGTGCTCAGTCTTG[G>A]GGAAGAATCCTGTGGAGATGCAGAGCTGAACAATGGCTTTTCAGGCTTCTTCATAGTAGT-3'
Protein context (NP_001177666.1, residues 324-344): FSSASPQDSS[Pro334Ser]RLSTFPQHHH

ClinVar aggregate classification (germline): Uncertain significance (1 of 4 stars; one submission).

Submission:

GeneDx
Classification: Uncertain significance. Last evaluated: 2023-07-10. Review status: criteria provided, single submitter. Criteria: GeneDx Variant Classification Process June 2021. Collection method: clinical testing. Allele origin: germline. Affected: yes.
Comment: Not observed at significant frequency in large population cohorts (gnomAD); In silico analysis supports that this missense variant has a deleterious effect on protein structure/function; Has not been previously published as pathogenic or benign to our knowledge